The following is an entry in ClinVar:

NM_021098.3(CACNA1H):c.5208C>T (p.Arg1736=)

Gene: CACNA1H (calcium voltage-gated channel subunit alpha1 H; plus strand). Cytogenetic location: 16p13.3.
Variant type: single nucleotide variant.
Coding change: c.5208C>T on transcript NM_021098.3 (MANE Select); coding-DNA position 5208, C replaced by T.
Protein change: p.Arg1736=; no amino-acid change (arginine 1736 retained).
Molecular consequence: synonymous variant.
Genome position (GRCh38, 1-based): chr16:1,215,557, C>T. VCF-style: chr16-1215557-C-T. GRCh37 (hg19) VCF-style: chr16-1265557-C-T.
Other names: c.5190C>T, p.Arg1730= (NM_001005407.2).
Identifiers: ClinVar variation 728444 (VCV000728444.35), dbSNP rs112395878, ClinGen allele CA7801874.

ClinVar aggregate classification (germline): Benign/Likely benign. Review status: criteria provided, multiple submitters, no conflicts (2 of 4 stars). 3 submissions from 3 submitters: Benign (1); Likely benign (2). Last evaluated 2026-01-21.

Conditions:
Hyperaldosteronism, familial, type IV (HALD4). Also called: FH IV; ALDOSTERONISM, PRIMARY, AND HYPERTENSION. Identifiers: Orphanet 642671, MedGen C4310756, MONDO:0014875, OMIM 617027.
Idiopathic generalized epilepsy. Also called: Generalised epilepsy; EIG. Identifiers: MedGen C0270850, MONDO:0005579, OMIM 600669.

Allele frequency attached by ClinVar (database versions not stated): gnomAD 0.00006 and 0.00012; TOPMed 0.00006; gnomAD exomes 0.00007 and 0.00016; ExAC 0.00022; 1000 Genomes Project 30x 0.00047; 1000 Genomes Project 0.00060.

Submissions (3):

Labcorp Genetics (formerly Invitae), Labcorp
Classification: Benign for Idiopathic generalized epilepsy; Hyperaldosteronism, familial, type IV. Last evaluated: 2026-01-21. Review status: criteria provided, single submitter. Criteria: Invitae Variant Classification Sherloc (09022015). Collection method: clinical testing. Allele origin: germline.

Blueprint Genetics
Classification: Likely benign. Last evaluated: 2024-07-09. Review status: criteria provided, single submitter. Criteria: ACMG Guidelines, 2015. Collection method: clinical testing. Allele origin: germline.

CeGaT Center for Human Genetics Tuebingen
Classification: Likely benign. Last evaluated: 2022-03-01. Review status: criteria provided, single submitter. Criteria: CeGaT Center For Human Genetics Tuebingen Variant Classification Criteria Version 2. Collection method: clinical testing. Allele origin: germline. Affected: yes. Observed: 1 variant allele.
Comment: CACNA1H: BP4, BP7